The following is an entry in ClinVar:

NM_001142459.2(ASB10):c.129G>A (p.Pro43=)

Gene: ASB10 (ankyrin repeat and SOCS box containing 10; minus strand). Cytogenetic location: 7q36.1.
Variant type: single nucleotide variant.
Coding change: c.129G>A on transcript NM_001142459.2 (MANE Select); coding-DNA position 129, G replaced by A.
Protein change: p.Pro43=; no amino-acid change (proline 43 retained).
Molecular consequence: synonymous variant. On other transcripts: intron variant (1).
Genome position (GRCh38, 1-based): chr7:151,187,002, C>T on the plus strand (G>A on the coding strand, the complement: ASB10 is on the minus strand). VCF-style: chr7-151187002-C-T. GRCh37 (hg19) VCF-style: chr7-150884089-C-T.
Other names: c.129G>A, p.Pro43= (NM_001142460.1); c.272-343G>A (NM_080871.4); c.129G>A (NM_001142459.1).
Identifiers: ClinVar variation 1558758 (VCV001558758.10), dbSNP rs144038078, ClinGen allele CA4573989.

ClinVar aggregate classification (germline): Benign. Review status: criteria provided, single submitter (1 of 4 stars). 2 submissions from 2 submitters: Benign (1). 1 of the submissions does not count toward it. Last evaluated 2025-02-16.

Conditions:
ASB10-related disorder. Also called: ASB10-related condition.

Allele frequency attached by ClinVar (database versions not stated): gnomAD 0.00092 and 0.00111; gnomAD exomes 0.00095; TOPMed 0.00095; ESP Exome Variant Server 0.00100; ExAC 0.00119; 1000 Genomes Project 30x 0.00219; 1000 Genomes Project 0.00240.
gnomAD v4.1: 776 of 1,611,020 alleles (0.048%); highest among the groups gnomAD compares: South Asian, 0.51%; 7 homozygotes.

Submissions (2):

Labcorp Genetics (formerly Invitae), Labcorp
Classification: Benign. Last evaluated: 2025-02-16. Review status: criteria provided, single submitter. Criteria: Invitae Variant Classification Sherloc (09022015). Collection method: clinical testing. Allele origin: germline.

PreventionGenetics, part of Exact Sciences
Classification: Likely benign for ASB10-related condition. Last evaluated: 2019-04-05. Review status: no assertion criteria provided. Collection method: clinical testing. Allele origin: germline. Not counted in ClinVar's aggregate classification.
Comment: This variant is classified as likely benign based on ACMG/AMP sequence variant interpretation guidelines (Richards et al. 2015 PMID: 25741868, with internal and published modifications).